The following is an entry in ClinVar:

ClinVar aggregate classification (germline): Likely benign (1 of 4 stars; one submission).

Allele frequency attached by ClinVar (database versions not stated): gnomAD 0.00001.
gnomAD v4.1: 3 of 1,613,944 alleles (0.00019%); highest among the groups gnomAD compares: South Asian, 0.0011%; no homozygotes.

Submission:

CeGaT Center for Human Genetics Tuebingen
Classification: Likely benign. Last evaluated: 2023-07-01. Review status: criteria provided, single submitter. Criteria: CeGaT Center For Human Genetics Tuebingen Variant Classification Criteria Version 2. Collection method: clinical testing. Allele origin: germline. Affected: yes. Observed: 1 variant allele.
Comment: EHMT1: BP4, BP7

NM_024757.5(EHMT1):c.1654C>A (p.Arg552=)

Gene: EHMT1 (euchromatic histone lysine methyltransferase 1; plus strand). Cytogenetic location: 9q34.3.
Variant type: single nucleotide variant.
Coding change: c.1654C>A on transcript NM_024757.5 (MANE Select); coding-DNA position 1654, C replaced by A.
Protein change: p.Arg552=; no amino-acid change (arginine 552 retained).
Molecular consequence: synonymous variant.
Genome position (GRCh38, 1-based): chr9:137,775,115, C>A. VCF-style: chr9-137775115-C-A. GRCh37 (hg19) VCF-style: chr9-140669567-C-A.
Other names: c.1654C>A, p.Arg552= (NM_001145527.2); c.1561C>A, p.Arg521= (NM_001354259.2); c.1633C>A, p.Arg545= (NM_001354263.2).
Identifiers: ClinVar variation 2659836 (VCV002659836.24), dbSNP rs1369733741, ClinGen allele CA467873949.